The following is an entry in ClinVar:

NM_001029883.3(PCARE):c.1331C>A (p.Thr444Asn)

Gene: PCARE (photoreceptor cilium actin regulator; minus strand). Cytogenetic location: 2p23.2.
Variant type: single nucleotide variant.
Coding change: c.1331C>A on transcript NM_001029883.3 (MANE Select); coding-DNA position 1331, C replaced by A.
Protein change: p.Thr444Asn; replaces threonine 444 with asparagine.
Molecular consequence: missense variant.
Genome position (GRCh38, 1-based): chr2:29,072,931, G>T on the plus strand (C>A on the coding strand, the complement: PCARE is on the minus strand). VCF-style: chr2-29072931-G-T. GRCh37 (hg19) VCF-style: chr2-29295797-G-T.
Other names: short protein forms T444N.
Identifiers: ClinVar variation 1523718 (VCV001523718.8), dbSNP rs750826772, ClinGen allele CA346480413.

ClinVar aggregate classification (germline): Uncertain significance (1 of 4 stars; one submission).

Submission:

Labcorp Genetics (formerly Invitae), Labcorp
Classification: Uncertain significance. Last evaluated: 2021-04-06. Review status: criteria provided, single submitter. Criteria: Invitae Variant Classification Sherloc (09022015). Collection method: clinical testing. Allele origin: germline.
Comment: This variant is not present in population databases (ExAC no frequency). This variant has not been reported in the literature in individuals with PCARE-related conditions. Algorithms developed to predict the effect of missense changes on protein structure and function (SIFT, PolyPhen-2, Align-GVGD) all suggest that this variant is likely to be disruptive, but these predictions have not been confirmed by published functional studies and their clinical significance is uncertain. In summary, the available evidence is currently insufficient to determine the role of this variant in disease. Therefore, it has been classified as a Variant of Uncertain Significance. This sequence change replaces threonine with asparagine at codon 444 of the PCARE protein (p.Thr444Asn). The threonine residue is highly conserved and there is a small physicochemical difference between threonine and asparagine.